The following is an entry in ClinVar:

ClinVar aggregate classification (germline): Conflicting classifications of pathogenicity. Review status: criteria provided, conflicting classifications (1 of 4 stars). 4 submissions from 4 submitters: Uncertain significance (1); Benign (3). Last evaluated 2026-04-22.

Conditions:
KCNJ1-related disorder. Also called: KCNJ1-related condition.
Bartter disease type 2. Also called: HYPERPROSTAGLANDIN E SYNDROME 2; HYPOKALEMIC ALKALOSIS WITH HYPERCALCIURIA 2, ANTENATAL; Bartter syndrome, type 2, antenatal. Identifiers: Orphanet 112, Orphanet 620220, MedGen C1855849, MONDO:0009424, OMIM 241200.

Allele frequency attached by ClinVar (database versions not stated): gnomAD 0.00006 and 0.00048; ESP Exome Variant Server 0.00008; TOPMed 0.00015; gnomAD exomes 0.00080 and 0.00168; ExAC 0.00181; 1000 Genomes Project 30x 0.00265; 1000 Genomes Project 0.00280.
gnomAD v4.1: 1,276 of 1,614,120 alleles (0.079%); highest among the groups gnomAD compares: South Asian, 1.1%; 26 homozygotes.

Submissions (4):

PreventionGenetics, part of Exact Sciences
Classification: Benign for KCNJ1-related condition. Last evaluated: 2026-04-22. Review status: criteria provided, single submitter. Criteria: ACMG Guidelines, 2015. Collection method: clinical testing. Allele origin: germline.
Comment: This variant is classified as benign based on ACMG/AMP sequence variant interpretation guidelines (Richards et al. 2015 PMID: 25741868, with internal and published modifications).

Labcorp Genetics (formerly Invitae), Labcorp
Classification: Benign. Last evaluated: 2026-01-26. Review status: criteria provided, single submitter. Criteria: Invitae Variant Classification Sherloc (09022015). Collection method: clinical testing. Allele origin: germline.

Illumina Laboratory Services, Illumina
Classification: Uncertain significance for Bartter disease type 2. Last evaluated: 2017-04-27. Review status: criteria provided, single submitter. Criteria: ICSL Variant Classification Criteria 13 December 2019. Collection method: clinical testing. Allele origin: germline.

Athena Diagnostics
Classification: Benign. Last evaluated: 2016-12-05. Review status: criteria provided, single submitter. Criteria: Athena Diagnostics Criteria. Collection method: clinical testing. Allele origin: germline.

NM_153766.3(KCNJ1):c.705C>T (p.Asp235=)

Gene: KCNJ1 (potassium inwardly rectifying channel subfamily J member 1; minus strand). Cytogenetic location: 11q24.3.
Variant type: single nucleotide variant.
Coding change: c.705C>T on transcript NM_153766.3 (MANE Select); coding-DNA position 705, C replaced by T.
Protein change: p.Asp235=; no amino-acid change (aspartic acid 235 retained).
Molecular consequence: synonymous variant.
Genome position (GRCh38, 1-based): chr11:128,839,539, G>A on the plus strand (C>T on the coding strand, the complement: KCNJ1 is on the minus strand). VCF-style: chr11-128839539-G-A. GRCh37 (hg19) VCF-style: chr11-128709434-G-A.
Other names: c.762C>T, p.Asp254= (NM_000220.6); c.705C>T, p.Asp235= (NM_153764.3, NM_153767.4); c.756C>T, p.Asp252= (NM_153765.3).
Identifiers: ClinVar variation 447632 (VCV000447632.14), dbSNP rs142030262, ClinGen allele CA6357470.
Genomic context (GRCh38, chr11:128,839,539, plus strand): 5'-GTGATCAATGACATGGTAAATTGTCAATGGGGAGATGAAGAATAAATTTTCATTCCCAGC[G>A]TCAACTACAAAGTTGATATTGATCTGGTCCAAAATAATGGTCTCTCCTTCAGGAGTGACT-3'
Protein context (NP_722450.1, residues 225-245): LDQININFVV[Asp235=]AGNENLFFIS